The following is an entry in ClinVar:

ClinVar aggregate classification (germline): Conflicting classifications of pathogenicity. Review status: criteria provided, conflicting classifications (1 of 4 stars). 3 submissions from 3 submitters: Uncertain significance (2); Likely benign (1). Last evaluated 2025-10-13.

Conditions:
Brugada syndrome 6 (BRGDA6). Identifiers: Orphanet 130, MedGen C2751089, MONDO:0013145, OMIM 613119.
Cardiovascular phenotype. Identifiers: MedGen CN230736.

Allele frequency attached by ClinVar (database versions not stated): TOPMed 0.00001; gnomAD 0.00002 and 0.00003; gnomAD exomes 0.00002 and 0.00005; ExAC 0.00005.
gnomAD v4.1: 40 of 1,614,162 alleles (0.0025%); highest among the groups gnomAD compares: South Asian, 0.031%; 1 homozygote.

Submissions (3):

Labcorp Genetics (formerly Invitae), Labcorp
Classification: Uncertain significance for Brugada syndrome 6. Last evaluated: 2025-10-13. Review status: criteria provided, single submitter. Criteria: Invitae Variant Classification Sherloc (09022015). Collection method: clinical testing. Allele origin: germline.
Comment: This sequence change replaces valine, which is neutral and non-polar, with methionine, which is neutral and non-polar, at codon 17 of the KCNE3 protein (p.Val17Met). This variant is present in population databases (rs773287275, gnomAD 0.04%). This missense change has been observed in individual(s) with lone atrial fibrillation (PMID: 18209471). ClinVar contains an entry for this variant (Variation ID: 658553). An algorithm developed to predict the effect of missense changes on protein structure and function (PolyPhen-2) suggests that this variant is likely to be disruptive. Experimental studies have shown that this missense change affects KCNE3 function (PMID: 18209471). In summary, the available evidence is currently insufficient to determine the role of this variant in disease. Therefore, it has been classified as a Variant of Uncertain Significance.

Ambry Genetics
Classification: Likely benign for Cardiovascular phenotype. Last evaluated: 2023-09-02. Review status: criteria provided, single submitter. Criteria: Ambry Variant Classification Scheme 2023. Collection method: clinical testing. Allele origin: germline.

Fulgent Genetics
Classification: Uncertain significance for Brugada syndrome 6. Last evaluated: 2021-07-26. Review status: criteria provided, single submitter. Criteria: ACMG Guidelines, 2015. Collection method: clinical testing. Allele origin: unknown.

Literature cited by the submitters: PubMed 18209471 (cited by Labcorp Genetics (formerly Invitae), Labcorp).

NM_005472.5(KCNE3):c.49G>A (p.Val17Met)

Gene: KCNE3 (potassium voltage-gated channel subfamily E regulatory subunit 3; minus strand). Cytogenetic location: 11q13.4.
Variant type: single nucleotide variant.
Coding change: c.49G>A on transcript NM_005472.5 (MANE Select); coding-DNA position 49, G replaced by A.
Protein change: p.Val17Met; replaces valine 17 with methionine.
Molecular consequence: missense variant.
Genome position (GRCh38, 1-based): chr11:74,457,515, C>T on the plus strand (G>A on the coding strand, the complement: KCNE3 is on the minus strand). VCF-style: chr11-74457515-C-T. GRCh37 (hg19) VCF-style: chr11-74168560-C-T.
Other names: short protein forms V17M.
Identifiers: ClinVar variation 658553 (VCV000658553.13), dbSNP rs773287275, ClinGen allele CA6184865.